The following is an entry in ClinVar:

ClinVar aggregate classification (germline): Uncertain significance. Review status: criteria provided, multiple submitters, no conflicts (2 of 4 stars). 2 submissions from 2 submitters: Uncertain significance (2). Last evaluated 2024-05-07.

Submissions (2):

GeneDx
Classification: Uncertain significance. Last evaluated: 2024-05-07. Review status: criteria provided, single submitter. Criteria: GeneDx Variant Classification Process June 2021. Collection method: clinical testing. Allele origin: germline. Affected: yes.
Comment: Not observed at significant frequency in large population cohorts (gnomAD); In silico analysis indicates that this missense variant does not alter protein structure/function; Has not been previously published as pathogenic or benign to our knowledge

Labcorp Genetics (formerly Invitae), Labcorp
Classification: Uncertain significance. Last evaluated: 2024-04-05. Review status: criteria provided, single submitter. Criteria: Invitae Variant Classification Sherloc (09022015). Collection method: clinical testing. Allele origin: germline.
Comment: This sequence change replaces aspartic acid, which is acidic and polar, with asparagine, which is neutral and polar, at codon 415 of the IL1RAPL1 protein (p.Asp415Asn). This variant is not present in population databases (gnomAD no frequency). This variant has not been reported in the literature in individuals affected with IL1RAPL1-related conditions. An algorithm developed to predict the effect of missense changes on protein structure and function (PolyPhen-2) suggests that this variant is likely to be disruptive. In summary, the available evidence is currently insufficient to determine the role of this variant in disease. Therefore, it has been classified as a Variant of Uncertain Significance.

NM_014271.4(IL1RAPL1):c.1243G>A (p.Asp415Asn)

Gene: IL1RAPL1 (interleukin 1 receptor accessory protein like 1; plus strand). Cytogenetic location: Xp21.2.
Variant type: single nucleotide variant.
Coding change: c.1243G>A on transcript NM_014271.4 (MANE Select); coding-DNA position 1243, G replaced by A.
Protein change: p.Asp415Asn; replaces aspartic acid 415 with asparagine.
Molecular consequence: missense variant.
Genome position (GRCh38, 1-based): chrX:29,954,563, G>A. VCF-style: chrX-29954563-G-A. GRCh37 (hg19) VCF-style: chrX-29972680-G-A.
Other names: short protein forms D415N.
Identifiers: ClinVar variation 3378149 (VCV003378149.3).